The following is an entry in ClinVar:

NM_000340.2(SLC2A2):c.58G>T (p.Gly20Cys)

Gene: SLC2A2 (solute carrier family 2 member 2; minus strand). Cytogenetic location: 3q26.2.
Variant type: single nucleotide variant.
Coding change: c.58G>T on transcript NM_000340.2 (MANE Select); coding-DNA position 58, G replaced by T.
Protein change: p.Gly20Cys; replaces glycine 20 with cysteine.
Molecular consequence: missense variant. On other transcripts: 5 prime UTR variant (2).
Genome position (GRCh38, 1-based): chr3:171,018,581, C>A on the plus strand (G>T on the coding strand, the complement: SLC2A2 is on the minus strand). VCF-style: chr3-171018581-C-A. GRCh37 (hg19) VCF-style: chr3-170736370-C-A.
Other names: c.-37G>T (NM_001278658.2); c.-337G>T (NM_001278659.2); short protein forms G20C.
Identifiers: ClinVar variation 1410989 (VCV001410989.6), dbSNP rs2108262047, ClinGen allele CA355480664.

ClinVar aggregate classification (germline): Uncertain significance (1 of 4 stars; one submission).

Conditions:
Fanconi-Bickel syndrome (FBS). Also called: PSEUDO-PHLORIZIN DIABETES; Glycogen storage disease due to GLUT2 deficiency; FANCONI SYNDROME WITH INTESTINAL MALABSORPTION AND GALACTOSE INTOLERANCE; HEPATIC GLYCOGENOSIS WITH AMINO ACIDURIA AND GLUCOSURIA; HEPATIC GLYCOGENOSIS WITH FANCONI NEPHROPATHY; HEPATORENAL GLYCOGENOSIS WITH RENAL FANCONI SYNDROME. Identifiers: Orphanet 2088, MedGen C3495427, MONDO:0009216, OMIM 227810.

Allele frequency attached by ClinVar (database versions not stated): gnomAD exomes below 0.00001.
gnomAD v4.1: 3 of 1,614,030 alleles (0.00019%); highest among the groups gnomAD compares: Non-Finnish European, 0.000085%; no homozygotes.

Submission:

Labcorp Genetics (formerly Invitae), Labcorp
Classification: Uncertain significance for Fanconi-Bickel syndrome. Last evaluated: 2021-10-25. Review status: criteria provided, single submitter. Criteria: Invitae Variant Classification Sherloc (09022015). Collection method: clinical testing. Allele origin: germline.
Comment: In summary, the available evidence is currently insufficient to determine the role of this variant in disease. Therefore, it has been classified as a Variant of Uncertain Significance. Algorithms developed to predict the effect of missense changes on protein structure and function are either unavailable or do not agree on the potential impact of this missense change (SIFT: "Deleterious"; PolyPhen-2: "Probably Damaging"; Align-GVGD: "Class C15"). This variant has not been reported in the literature in individuals affected with SLC2A2-related conditions. This variant is not present in population databases (gnomAD no frequency). This sequence change replaces glycine, which is neutral and non-polar, with cysteine, which is neutral and slightly polar, at codon 20 of the SLC2A2 protein (p.Gly20Cys).